The following is an entry in ClinVar:

ClinVar aggregate classification (germline): Uncertain significance. Review status: criteria provided, multiple submitters, no conflicts (2 of 4 stars). 5 submissions from 5 submitters: Uncertain significance (5). Last evaluated 2024-09-01.

Conditions:
Inborn genetic diseases. Identifiers: MedGen C0950123, MeSH D030342.
Bethlem myopathy 1A. Also called: Bethlem myopathy 1; Bethlem Muscular Dystrophy; MYOPATHY, BENIGN CONGENITAL, WITH CONTRACTURES. Identifiers: Orphanet 610, MedGen CN029274, MONDO:0024530, OMIM 158810.

Allele frequency attached by ClinVar (database versions not stated): ExAC 0.00001; gnomAD 0.00001; gnomAD exomes 0.00001; TOPMed 0.00002.
gnomAD v4.1: 11 of 1,600,522 alleles (0.00069%); highest among the groups gnomAD compares: Admixed American, 0.0068%; no homozygotes.

Submissions (5):

Ambry Genetics
Classification: Uncertain significance for Inborn genetic diseases. Last evaluated: 2024-09-01. Review status: criteria provided, single submitter. Criteria: Ambry Variant Classification Scheme 2023. Collection method: clinical testing. Allele origin: germline.

Blueprint Genetics
Classification: Uncertain significance. Last evaluated: 2023-12-08. Review status: criteria provided, single submitter. Criteria: ACMG Guidelines, 2015. Collection method: clinical testing. Allele origin: germline.

Revvity Omics, Revvity
Classification: Uncertain significance. Last evaluated: 2023-07-12. Review status: criteria provided, single submitter. Criteria: ACMG Guidelines, 2015. Collection method: clinical testing. Allele origin: germline.

Labcorp Genetics (formerly Invitae), Labcorp
Classification: Uncertain significance for Bethlem myopathy 1A. Last evaluated: 2022-08-09. Review status: criteria provided, single submitter. Criteria: Invitae Variant Classification Sherloc (09022015). Collection method: clinical testing. Allele origin: germline.
Comment: This sequence change replaces arginine, which is basic and polar, with glutamine, which is neutral and polar, at codon 2422 of the COL6A3 protein (p.Arg2422Gln). This variant is present in population databases (rs748029252, gnomAD 0.004%). This variant has not been reported in the literature in individuals affected with COL6A3-related conditions. ClinVar contains an entry for this variant (Variation ID: 501188). Algorithms developed to predict the effect of missense changes on protein structure and function are either unavailable or do not agree on the potential impact of this missense change (SIFT: "Deleterious"; PolyPhen-2: "Not Available"; Align-GVGD: "Class C0"). In summary, the available evidence is currently insufficient to determine the role of this variant in disease. Therefore, it has been classified as a Variant of Uncertain Significance.

Eurofins Ntd Llc (ga)
Classification: Uncertain significance. Last evaluated: 2017-04-04. Review status: criteria provided, single submitter. Criteria: EGL Classification Definitions 2015. Collection method: clinical testing. Allele origin: germline. Observed: 1 variant allele, 1 heterozygote.

NM_004369.4(COL6A3):c.7265G>A (p.Arg2422Gln)

Gene: COL6A3 (collagen type VI alpha 3 chain; minus strand). Cytogenetic location: 2q37.3.
Variant type: single nucleotide variant.
Coding change: c.7265G>A on transcript NM_004369.4 (MANE Select); coding-DNA position 7265, G replaced by A.
Protein change: p.Arg2422Gln; replaces arginine 2422 with glutamine.
Molecular consequence: missense variant.
Genome position (GRCh38, 1-based): chr2:237,344,753, C>T on the plus strand (G>A on the coding strand, the complement: COL6A3 is on the minus strand). VCF-style: chr2-237344753-C-T. GRCh37 (hg19) VCF-style: chr2-238253396-C-T.
Other names: c.7265G>A (NM_004369.3); c.5444G>A, p.Arg1815Gln (NM_057166.5); c.6647G>A, p.Arg2216Gln (NM_057167.4); short protein forms R2422Q, R1815Q, R2216Q.
Identifiers: ClinVar variation 501188 (VCV000501188.12), dbSNP rs748029252, ClinGen allele CA2187840.